The following is an entry in ClinVar:

ClinVar aggregate classification (germline): Uncertain significance. Review status: criteria provided, multiple submitters, no conflicts (2 of 4 stars). 2 submissions from 2 submitters: Uncertain significance (2). Last evaluated 2024-05-15.

gnomAD v4.1: 1 of 1,614,096 alleles (0.000062%); highest among the groups gnomAD compares: Non-Finnish European, 0.000085%; no homozygotes.

Submissions (2):

Women's Health and Genetics/Laboratory Corporation of America, LabCorp
Classification: Uncertain significance. Last evaluated: 2024-05-15. Review status: criteria provided, single submitter. Criteria: LabCorp Variant Classification Summary - May 2015. Collection method: clinical testing. Allele origin: germline.

Labcorp Genetics (formerly Invitae), Labcorp
Classification: Uncertain significance. Last evaluated: 2021-08-30. Review status: criteria provided, single submitter. Criteria: Invitae Variant Classification Sherloc (09022015). Collection method: clinical testing. Allele origin: germline.
Comment: This sequence change replaces glutamine with glutamic acid at codon 347 of the USH1C protein (p.Gln347Glu). The glutamine residue is moderately conserved and there is a small physicochemical difference between glutamine and glutamic acid. This variant is present in population databases (rs762551629, ExAC 0.001%). This variant has not been reported in the literature in individuals affected with USH1C-related conditions. Algorithms developed to predict the effect of missense changes on protein structure and function (SIFT, PolyPhen-2, Align-GVGD) all suggest that this variant is likely to be tolerated. In summary, the available evidence is currently insufficient to determine the role of this variant in disease. Therefore, it has been classified as a Variant of Uncertain Significance.

NM_153676.4(USH1C):c.1039C>G (p.Gln347Glu)

Gene: USH1C (USH1 protein network component harmonin; minus strand). Cytogenetic location: 11p15.1.
Variant type: single nucleotide variant.
Coding change: c.1039C>G on transcript NM_153676.4 (MANE Select); coding-DNA position 1039, C replaced by G.
Protein change: p.Gln347Glu; replaces glutamine 347 with glutamic acid.
Molecular consequence: missense variant. On other transcripts: non-coding transcript variant (1).
Genome position (GRCh38, 1-based): chr11:17,521,392, G>C on the plus strand (C>G on the coding strand, the complement: USH1C is on the minus strand). VCF-style: chr11-17521392-G-C. GRCh37 (hg19) VCF-style: chr11-17542939-G-C.
Other names: c.982C>G, p.Gln328Glu (NM_001297764.2); c.1039C>G, p.Gln347Glu (NM_005709.4); short protein forms Q347E, Q328E.
Identifiers: ClinVar variation 961215 (VCV000961215.7), dbSNP rs762551629, ClinGen allele CA5904738.